The following is an entry in ClinVar:

ClinVar aggregate classification (germline): Benign/Likely benign. Review status: criteria provided, multiple submitters, no conflicts (2 of 4 stars). 4 submissions from 4 submitters: Benign (2); Likely benign (2). Last evaluated 2025-03-04.

Conditions:
Breast and/or ovarian cancer. Identifiers: MedGen CN221562.
Hereditary cancer-predisposing syndrome. Also called: Tumor predisposition; Hereditary Cancer Syndrome; Hereditary neoplastic syndrome; Neoplastic Syndromes, Hereditary. Identifiers: Orphanet 140162, MedGen C0027672, MeSH D009386, MONDO:0015356.
Familial cancer of breast. Also called: BREAST CANCER, FAMILIAL; Hereditary breast cancer; hereditary breast carcinoma. Identifiers: Orphanet 227535, MedGen C0346153, MONDO:0016419, OMIM 114480. Disease mechanism: loss of function.

Submissions (4):

Center for Genomic Medicine, Rigshospitalet, Copenhagen University Hospital
Classification: Likely benign. Last evaluated: 2025-03-04. Review status: criteria provided, single submitter. Criteria: ACMG Guidelines, 2015. Collection method: clinical testing. Allele origin: germline.

Myriad Genetics, Inc.
Classification: Benign for Familial cancer of breast. Last evaluated: 2024-05-08. Review status: criteria provided, single submitter. Criteria: Myriad Autosomal Dominant, Autosomal Recessive and X-Linked Classification Criteria (2023). Collection method: clinical testing. Allele origin: unknown.
Comment: This variant is considered benign. This variant is intronic and is not expected to impact mRNA splicing. This variant is strongly associated with less severe personal and family histories of cancer, typical for individuals without pathogenic variants in this gene [PMID: 25085752].

CHEO Genetics Diagnostic Laboratory, Children's Hospital of Eastern Ontario
Classification: Likely benign for Breast and/or ovarian cancer. Last evaluated: 2023-05-25. Review status: criteria provided, single submitter. Criteria: ACMG Guidelines, 2015. Collection method: clinical testing. Allele origin: germline.

GeneDx
Classification: Benign for Neoplastic Syndromes, Hereditary. Last evaluated: 2014-04-14. Review status: criteria provided, single submitter. Criteria: GeneDx Variant Classification (06012015). Collection method: clinical testing. Allele origin: germline. Affected: yes.
Comment: The variant is found in BR-OV-HEREDIC,HEREDICANCER panel(s).

Literature cited by the submitters: PubMed 25085752 (cited by Myriad Genetics, Inc.).

NM_000051.4(ATM):c.2251-18dup

Gene: ATM (ATM serine/threonine kinase; plus strand). Cytogenetic location: 11q22.3.
Variant type: Duplication.
Coding change: c.2251-18dup on transcript NM_000051.4 (MANE Select); 18 bases into the intron before coding-DNA position 2251, one base duplicated (T; older notation c.2251-18dupT).
Molecular consequence: intron variant.
Genome position (GRCh38, 1-based): chr11:108,257,463, T duplicated; the last of 5 consecutive T bases (chr11:108,257,459-108,257,463); duplicating any one gives the same sequence. VCF-style (leftmost placement, unchanged base first): chr11-108257458-A-AT. GRCh37 (hg19) VCF-style: chr11-108128185-A-AT.
Other names: c.2251-18_2251-17insT (NM_000051.3); c.2251-18dup (NM_001351834.2); c.2251-18dupT (NM_000051.4).
Identifiers: ClinVar variation 181851 (VCV000181851.7), dbSNP rs730881284, ClinGen allele CA297989.